The following is an entry in ClinVar:

ClinVar aggregate classification (germline): Likely pathogenic. Review status: criteria provided, multiple submitters, no conflicts (2 of 4 stars). 2 submissions from 2 submitters: Likely pathogenic (2). Last evaluated 2025-12-03.

Conditions:
Hereditary spastic paraplegia 31. Also called: SPASTIC PARAPLEGIA 31, AUTOSOMAL DOMINANT. Identifiers: Orphanet 101011, MedGen C1853247, MONDO:0012453, OMIM 610250.

Submissions (2):

Labcorp Genetics (formerly Invitae), Labcorp
Classification: Likely pathogenic for Hereditary spastic paraplegia 31. Last evaluated: 2025-12-03. Review status: criteria provided, single submitter. Criteria: Invitae Variant Classification Sherloc (09022015). Collection method: clinical testing. Allele origin: germline.
Comment: This sequence change affects a donor splice site in intron 4 of the REEP1 gene. It is expected to disrupt RNA splicing. Variants that disrupt the donor or acceptor splice site typically lead to a loss of protein function (PMID: 16199547), and loss-of-function variants in REEP1 are known to be pathogenic (PMID: 18321925, 18644145, 32655478). This variant is not present in population databases (gnomAD no frequency). Disruption of this splice site has been observed in individual(s) with autosomal dominant hereditary spastic paraplegia (PMID: 30564185). ClinVar contains an entry for this variant (Variation ID: 3337513). Algorithms developed to predict the effect of sequence changes on RNA splicing suggest that this variant may disrupt the consensus splice site. In summary, the currently available evidence indicates that the variant is pathogenic, but additional data are needed to prove that conclusively. Therefore, this variant has been classified as Likely Pathogenic.

Clinical Genetics Laboratory, Skane University Hospital Lund
Classification: Likely pathogenic. Last evaluated: 2024-03-28. Review status: criteria provided, single submitter. Criteria: ACMG Guidelines, 2015. Collection method: clinical testing. Allele origin: germline. Affected: yes.

Literature cited by the submitters: PubMed 16199547 (cited by Labcorp Genetics (formerly Invitae), Labcorp); PubMed 18321925 (cited by Labcorp Genetics (formerly Invitae), Labcorp); PubMed 18644145 (cited by Labcorp Genetics (formerly Invitae), Labcorp); PubMed 32655478 (cited by Labcorp Genetics (formerly Invitae), Labcorp); PubMed 30564185 (cited by Labcorp Genetics (formerly Invitae), Labcorp).

NM_001371279.1(REEP1):c.303+1G>A

Gene: REEP1 (receptor accessory protein 1; minus strand). Cytogenetic location: 2p11.2.
Variant type: single nucleotide variant.
Coding change: c.303+1G>A on transcript NM_001371279.1 (MANE Select); the canonical splice donor site of the intron after coding-DNA position 303, G replaced by A.
Molecular consequence: splice donor variant. On other transcripts: intron variant (1).
Genome position (GRCh38, 1-based): chr2:86,254,693, C>T on the plus strand (G>A on the coding strand, the complement: REEP1 is on the minus strand). VCF-style: chr2-86254693-C-T. GRCh37 (hg19) VCF-style: chr2-86481816-C-T.
Other names: c.324+1G>A (NM_001164730.2); c.222+1G>A (NM_001164731.2); c.182+9272G>A (NM_001164732.2); c.303+1G>A (NM_001371280.1, NM_022912.3, NM_001410855.1 and 1 more transcripts).
Identifiers: ClinVar variation 3337513 (VCV003337513.3).
Genomic context (GRCh38, chr2:86,254,693, plus strand): 5'-TTATTTATTACTTATTTTCTCACTTGCTAGAAAGAATGAAAGACATGGCAGCATATATTA[C>T]CTTTTCTTTTGAAGATAGCGTGGGATGTACAAACTTCCTGTACAGGAGGCTGGAGCCTTT-3'